The following is an entry in ClinVar:

NM_012471.3(TRPC5):c.2547C>T (p.Phe849=)

Gene: TRPC5 (transient receptor potential cation channel subfamily C member 5; minus strand). Cytogenetic location: Xq23.
Variant type: single nucleotide variant.
Coding change: c.2547C>T on transcript NM_012471.3 (MANE Select); coding-DNA position 2547, C replaced by T.
Protein change: p.Phe849=; no amino-acid change (phenylalanine 849 retained).
Molecular consequence: synonymous variant.
Genome position (GRCh38, 1-based): chrX:111,776,688, G>A on the plus strand (C>T on the coding strand, the complement: TRPC5 is on the minus strand). VCF-style: chrX-111776688-G-A. GRCh37 (hg19) VCF-style: chrX-111019916-G-A.
Identifiers: ClinVar variation 4994787 (VCV004994787.1).

ClinVar aggregate classification (germline): Likely benign (1 of 4 stars; one submission).

Conditions:
TRPC5-related disorder. Also called: TRPC5-related condition.

Submission:

PreventionGenetics, part of Exact Sciences
Classification: Likely benign for TRPC5-related condition. Last evaluated: 2026-09-23. Review status: criteria provided, single submitter. Criteria: ACMG Guidelines, 2015. Collection method: clinical testing. Allele origin: germline.
Comment: This variant is classified as likely benign based on ACMG/AMP sequence variant interpretation guidelines (Richards et al. 2015 PMID: 25741868, with internal and published modifications).